The following is an entry in ClinVar:

ClinVar aggregate classification (germline): Uncertain significance (1 of 4 stars; one submission).

Conditions:
Multiple sulfatase deficiency (MSD). Also called: Mucosulfatidosis; Multiple Sulfatase Deficiency Disease; Sulfatidosis, Juvenile, Austin Type. Identifiers: Orphanet 585, MedGen C0268263, MONDO:0010088, OMIM 272200.

Submission:

Labcorp Genetics (formerly Invitae), Labcorp
Classification: Uncertain significance for Multiple sulfatase deficiency. Last evaluated: 2022-01-15. Review status: criteria provided, single submitter. Criteria: Invitae Variant Classification Sherloc (09022015). Collection method: clinical testing. Allele origin: germline.
Comment: This sequence change replaces proline, which is neutral and non-polar, with arginine, which is basic and polar, at codon 58 of the SUMF1 protein (p.Pro58Arg). This variant is not present in population databases (gnomAD no frequency). This variant has not been reported in the literature in individuals affected with SUMF1-related conditions. Algorithms developed to predict the effect of missense changes on protein structure and function output the following: SIFT: "Tolerated"; PolyPhen-2: "Benign"; Align-GVGD: "Class C0". The arginine amino acid residue is found in multiple mammalian species, which suggests that this missense change does not adversely affect protein function. In summary, the available evidence is currently insufficient to determine the role of this variant in disease. Therefore, it has been classified as a Variant of Uncertain Significance.

NM_182760.4(SUMF1):c.173C>G (p.Pro58Arg)

Genes: SUMF1 (sulfatase modifying factor 1; minus strand), LOC129936056 (ATAC-STARR-seq lymphoblastoid silent region 14016; plus strand). Cytogenetic location: 3p26.1.
Variant type: single nucleotide variant.
Coding change: c.173C>G on transcript NM_182760.4 (MANE Select); coding-DNA position 173, C replaced by G.
Protein change: p.Pro58Arg; replaces proline 58 with arginine.
Molecular consequence: missense variant.
Genome position (GRCh38, 1-based): chr3:4,467,073, G>C on the plus strand (C>G on the coding strand, the complement: SUMF1 is on the minus strand). VCF-style: chr3-4467073-G-C. GRCh37 (hg19) VCF-style: chr3-4508757-G-C.
Other names: c.173C>G, p.Pro58Arg (NM_001164674.2, NM_001164675.2); short protein forms P58R.
Identifiers: ClinVar variation 1944283 (VCV001944283.2), dbSNP rs2079972191, ClinGen allele CA351794264.